The following is an entry in ClinVar:

NM_032043.3(BRIP1):c.121C>T (p.His41Tyr)

Gene: BRIP1 (BRCA1 interacting DNA helicase 1; minus strand). Cytogenetic location: 17q23.2.
Variant type: single nucleotide variant.
Coding change: c.121C>T on transcript NM_032043.3 (MANE Select); coding-DNA position 121, C replaced by T.
Protein change: p.His41Tyr; replaces histidine 41 with tyrosine.
Molecular consequence: missense variant.
Genome position (GRCh38, 1-based): chr17:61,859,880, G>A on the plus strand (C>T on the coding strand, the complement: BRIP1 is on the minus strand). VCF-style: chr17-61859880-G-A. GRCh37 (hg19) VCF-style: chr17-59937241-G-A.
Other names: short protein forms H41Y.
Identifiers: ClinVar variation 628588 (VCV000628588.13), dbSNP rs770930270, ClinGen allele CA8690991.

ClinVar aggregate classification (germline): Uncertain significance. Review status: criteria provided, multiple submitters, no conflicts (2 of 4 stars). 3 submissions from 3 submitters: Uncertain significance (3). Last evaluated 2021-08-31.

Conditions:
Familial cancer of breast. Also called: BREAST CANCER, FAMILIAL; Hereditary breast cancer; hereditary breast carcinoma. Identifiers: Orphanet 227535, MedGen C0346153, MONDO:0016419, OMIM 114480. Disease mechanism: loss of function.
Fanconi anemia complementation group J. Also called: BRIP1-Related Fanconi Anemia. Identifiers: Orphanet 84, MedGen C1836860, MONDO:0012187, OMIM 609054.
Hereditary cancer-predisposing syndrome. Also called: Tumor predisposition; Neoplastic Syndromes, Hereditary; Hereditary Cancer Syndrome; Hereditary neoplastic syndrome. Identifiers: Orphanet 140162, MedGen C0027672, MeSH D009386, MONDO:0015356.

Allele frequency attached by ClinVar (database versions not stated): gnomAD exomes below 0.00001; TOPMed below 0.00001; ExAC 0.00001.

Submissions (3):

Labcorp Genetics (formerly Invitae), Labcorp
Classification: Uncertain significance for Familial cancer of breast; Fanconi anemia complementation group J. Last evaluated: 2021-08-31. Review status: criteria provided, single submitter. Criteria: Invitae Variant Classification Sherloc (09022015). Collection method: clinical testing. Allele origin: germline.
Comment: This sequence change replaces histidine with tyrosine at codon 41 of the BRIP1 protein (p.His41Tyr). The histidine residue is highly conserved and there is a moderate physicochemical difference between histidine and tyrosine. This variant is present in population databases (rs770930270, ExAC 0.001%). This variant has not been reported in the literature in individuals affected with BRIP1-related conditions. ClinVar contains an entry for this variant (Variation ID: 628588). Algorithms developed to predict the effect of missense changes on protein structure and function are either unavailable or do not agree on the potential impact of this missense change (SIFT: "Deleterious"; PolyPhen-2: "Possibly Damaging"; Align-GVGD: "Class C0"). In summary, the available evidence is currently insufficient to determine the role of this variant in disease. Therefore, it has been classified as a Variant of Uncertain Significance.

Ambry Genetics
Classification: Uncertain significance for Hereditary cancer-predisposing syndrome. Last evaluated: 2021-05-19. Review status: criteria provided, single submitter. Criteria: Ambry Variant Classification Scheme 2023. Collection method: clinical testing. Allele origin: germline.
Comment: The p.H41Y variant (also known as c.121C>T), located in coding exon 2 of the BRIP1 gene, results from a C to T substitution at nucleotide position 121. The histidine at codon 41 is replaced by tyrosine, an amino acid with similar properties. This amino acid position is highly conserved in available vertebrate species. In addition, the in silico prediction for this alteration is inconclusive. Since supporting evidence is limited at this time, the clinical significance of this alteration remains unclear.

Color Diagnostics, LLC DBA Color Health
Classification: Uncertain significance for Hereditary cancer-predisposing syndrome. Last evaluated: 2019-04-04. Review status: criteria provided, single submitter. Criteria: ACMG Guidelines, 2015. Collection method: clinical testing. Allele origin: germline.